The following is an entry in ClinVar:

ClinVar aggregate classification (germline): Uncertain significance (1 of 4 stars; one submission).

Submission:

GeneDx
Classification: Uncertain significance. Last evaluated: 2024-04-10. Review status: criteria provided, single submitter. Criteria: GeneDx Variant Classification Process June 2021. Collection method: clinical testing. Allele origin: germline. Affected: yes.
Comment: Not observed at significant frequency in large population cohorts (gnomAD); In-frame deletion of 1 amino acids in a non-repeat region; Has not been previously published as pathogenic or benign to our knowledge

NM_000208.4(INSR):c.3689_3691del (p.Thr1230del)

Gene: INSR (insulin receptor; minus strand). Cytogenetic location: 19p13.2.
Variant type: Deletion.
Coding change: c.3689_3691del on transcript NM_000208.4 (MANE Select); coding-DNA positions 3689 to 3691, 3 bases deleted (CCA; older notation c.3689_3691delCCA).
Protein change: p.Thr1230del; deletes threonine 1230.
Genome position (GRCh38, 1-based): chr19:7,119,552-7,119,554, TGG deleted on the plus strand (CCA on the coding strand, the reverse complement: INSR is on the minus strand); deleting any 3 consecutive bases within chr19:7,119,552-7,119,556 gives the same sequence; the c. name uses the placement nearest the transcript's 3' end. VCF-style (leftmost placement, unchanged base first): chr19-7119551-CTGG-C. GRCh37 (hg19) VCF-style: chr19-7119562-CTGG-C.
Other names: c.3653_3655del, p.Thr1218del (NM_001079817.3); short protein forms T1218del, T1230del.
Identifiers: ClinVar variation 3372379 (VCV003372379.1).